The following is an entry in ClinVar:

NM_000297.4(PKD2):c.2838dup (p.Ser947fs)

Gene: PKD2 (polycystin 2, transient receptor potential cation channel; plus strand). Cytogenetic location: 4q22.1.
Variant type: Duplication.
Coding change: c.2838dup on transcript NM_000297.4 (MANE Select); coding-DNA position 2838, one base duplicated (A; older notation c.2838dupA).
Protein change: p.Ser947fs; shifts the reading frame from serine 947.
Molecular consequence: frameshift variant. On other transcripts: non-coding transcript variant (1).
Genome position (GRCh38, 1-based): chr4:88,075,625, A duplicated. VCF-style (leftmost placement, unchanged base first): chr4-88075624-C-CA. GRCh37 (hg19) VCF-style: chr4-88996776-C-CA.
Other names: c.2613dup, p.Ser872fs (NM_001440544.1); short protein forms S872fs, S947fs.
Identifiers: ClinVar variation 5026770 (VCV005026770.1).

ClinVar aggregate classification (germline): Uncertain significance (1 of 4 stars; one submission).

Conditions:
Inborn genetic diseases. Identifiers: MedGen C0950123, MeSH D030342.

Submission:

Ambry Genetics
Classification: Uncertain significance for Inborn genetic diseases. Last evaluated: 2026-07-20. Review status: criteria provided, single submitter. Criteria: Ambry Variant Classification Scheme 2023. Collection method: clinical testing. Allele origin: germline.
Comment: The c.2838dupA (p.S947Ifs*19) alteration, located in exon 15 (coding exon 15) of the PKD2 gene, consists of a duplication of A at position 2838, causing a translational frameshift with a predicted alternate stop codon after 19 amino acids. This variant is not expected to trigger nonsense-mediated mRNA decay, and impacts the last 2% of the protein. This variant was not reported in population-based cohorts in the Genome Aggregation Database (gnomAD). Based on insufficient or conflicting evidence, the clinical significance of this alteration remains unclear.